The following is an entry in ClinVar:

NM_005120.3(MED12):c.2423-6C>T

Gene: MED12 (mediator complex subunit 12; plus strand). Cytogenetic location: Xq13.1.
Variant type: single nucleotide variant.
Coding change: c.2423-6C>T on transcript NM_005120.3 (MANE Select); 6 bases into the intron before coding-DNA position 2423, C replaced by T.
Molecular consequence: intron variant.
Genome position (GRCh38, 1-based): chrX:71,126,030, C>T. VCF-style: chrX-71126030-C-T. GRCh37 (hg19) VCF-style: chrX-70345880-C-T.
Identifiers: ClinVar variation 2506314 (VCV002506314.6), dbSNP rs1216312220, ClinGen allele CA641948608.

ClinVar aggregate classification (germline): Benign. Review status: criteria provided, multiple submitters, no conflicts (2 of 4 stars). 2 submissions from 2 submitters: Benign (2). Last evaluated 2025-09-30.

Conditions:
FG syndrome (FGS). Identifiers: MedGen C0220769, MONDO:0002010.

Allele frequency attached by ClinVar (database versions not stated): gnomAD exomes 0.00001; TOPMed 0.00001; gnomAD 0.00002.
gnomAD v4.1: 10 of 1,194,219 alleles (0.00084%); highest among the groups gnomAD compares: Non-Finnish European, 0.0011%; no homozygotes.

Submissions (2):

Labcorp Genetics (formerly Invitae), Labcorp
Classification: Benign for FG syndrome. Last evaluated: 2025-09-30. Review status: criteria provided, single submitter. Criteria: Invitae Variant Classification Sherloc (09022015). Collection method: clinical testing. Allele origin: germline.

Women's Health and Genetics/Laboratory Corporation of America, LabCorp
Classification: Benign. Last evaluated: 2025-04-25. Review status: criteria provided, single submitter. Criteria: LabCorp Variant Classification Summary - May 2015. Collection method: clinical testing. Allele origin: germline.
Comment: Variant summary: MED12 c.2423-6C>T alters a nucleotide located at a position not widely known to affect splicing. Consensus agreement among computation tools predict no significant impact on normal splicing. However, these predictions have yet to be confirmed by functional studies. The variant allele was found at a frequency of 8.4e-06 in 1194219 control chromosomes, including 4 hemizygotes. This frequency is not significantly higher than estimated for a pathogenic variant in MED12 causing MED12-Related Disorders, allowing no conclusion about variant significance. To our knowledge, no occurrence of c.2423-6C>T in individuals affected with MED12-Related Disorders and no experimental evidence demonstrating its impact on protein function have been reported. ClinVar contains an entry for this variant (Variation ID: 2506314). Based on the evidence outlined above, the variant was classified as benign.